The following is an entry in ClinVar:

ClinVar aggregate classification (germline): Likely benign. Review status: criteria provided, single submitter (1 of 4 stars). 2 submissions from 2 submitters: Likely benign (1). 1 of the submissions does not count toward it. Last evaluated 2025-09-01.

Conditions:
Mowat-Wilson syndrome (MOWS). Also called: Classic Mowat-Wilson Syndrome. Identifiers: Orphanet 2152, MedGen C1856113, MONDO:0009341, OMIM 235730.
ZEB2-related disorder. Also called: ZEB2-related condition.

Allele frequency attached by ClinVar (database versions not stated): gnomAD exomes 0.00002 and 0.00001; TOPMed 0.00001; ExAC 0.00002; gnomAD 0.00002.
gnomAD v4.1: 17 of 1,613,894 alleles (0.0011%); highest among the groups gnomAD compares: Admixed American, 0.0067%; no homozygotes.

Submissions (2):

Labcorp Genetics (formerly Invitae), Labcorp
Classification: Likely benign for Mowat-Wilson syndrome. Last evaluated: 2025-09-01. Review status: criteria provided, single submitter. Criteria: Invitae Variant Classification Sherloc (09022015). Collection method: clinical testing. Allele origin: germline.

PreventionGenetics, part of Exact Sciences
Classification: Likely benign for ZEB2-related condition. Last evaluated: 2022-05-26. Review status: no assertion criteria provided. Collection method: clinical testing. Allele origin: germline. Not counted in ClinVar's aggregate classification.
Comment: This variant is classified as likely benign based on ACMG/AMP sequence variant interpretation guidelines (Richards et al. 2015 PMID: 25741868, with internal and published modifications).

NM_014795.4(ZEB2):c.2946C>T (p.Ser982=)

Gene: ZEB2 (zinc finger E-box binding homeobox 2; minus strand). Cytogenetic location: 2q22.3.
Variant type: single nucleotide variant.
Coding change: c.2946C>T on transcript NM_014795.4 (MANE Select); coding-DNA position 2946, C replaced by T.
Protein change: p.Ser982=; no amino-acid change (serine 982 retained).
Molecular consequence: synonymous variant.
Genome position (GRCh38, 1-based): chr2:144,396,533, G>A on the plus strand (C>T on the coding strand, the complement: ZEB2 is on the minus strand). VCF-style: chr2-144396533-G-A. GRCh37 (hg19) VCF-style: chr2-145154100-G-A.
Other names: c.2874C>T, p.Ser958= (NM_001171653.2); c.2946C>T (NM_014795.3).
Identifiers: ClinVar variation 1157434 (VCV001157434.11), dbSNP rs769095107, ClinGen allele CA1898170.